The following is an entry in ClinVar:

NM_001004051.4(GPRASP2):c.1322C>T (p.Pro441Leu)

Genes: ARMCX5-GPRASP2 (ARMCX5-GPRASP2 readthrough; plus strand), GPRASP2 (G protein-coupled receptor associated sorting protein 2; plus strand). Cytogenetic location: Xq22.1.
Variant type: single nucleotide variant.
Coding change: c.1322C>T on transcript NM_001004051.4 (MANE Select); coding-DNA position 1322, C replaced by T.
Protein change: p.Pro441Leu; replaces proline 441 with leucine.
Molecular consequence: missense variant. On other transcripts: intron variant (3).
Genome position (GRCh38, 1-based): chrX:102,716,191, C>T. VCF-style: chrX-102716191-C-T. GRCh37 (hg19) VCF-style: chrX-101971119-C-T.
Other names: c.1322C>T, p.Pro441Leu (NM_001199818.1, NM_001184874.3, NM_001184875.3 and 2 more transcripts); c.-820+1925C>T (NM_001350268.2); c.-752+1925C>T (NM_001350269.2); c.-721+1925C>T (NM_001350270.1); short protein forms P441L.
Identifiers: ClinVar variation 4979778 (VCV004979778.1).

ClinVar aggregate classification (germline): Uncertain significance (1 of 4 stars; one submission).

Conditions:
GPRASP2-related disorder. Also called: GPRASP2-related condition.

gnomAD v4.1: 9 of 1,210,353 alleles (0.00074%); highest among the groups gnomAD compares: South Asian, 0.0053%; no homozygotes.

Submission:

PreventionGenetics, part of Exact Sciences
Classification: Uncertain significance for GPRASP2-related condition. Last evaluated: 2025-01-03. Review status: criteria provided, single submitter. Criteria: ACMG Guidelines, 2015. Collection method: clinical testing. Allele origin: germline.
Comment: The GPRASP2 c.1322C>T variant is predicted to result in the amino acid substitution p.Pro441Leu. To our knowledge, this variant has not been reported in the literature. This variant is reported in 0.0072% of alleles in individuals of East Asian descent in gnomAD, including three hemizygotes in the larger gnomAD v4.1.0 database. Although we suspect that this variant may be benign, at this time, the clinical significance of this variant is uncertain due to the absence of conclusive functional and genetic evidence.